The following is an entry in ClinVar:

NM_015978.3(TNNI3K):c.1441C>T (p.Arg481Ter)

Genes: FPGT-TNNI3K (FPGT-TNNI3K readthrough; plus strand), TNNI3K (TNNI3 interacting kinase; plus strand). Cytogenetic location: 1p31.1.
Variant type: single nucleotide variant.
Coding change: c.1441C>T on transcript NM_015978.3 (MANE Select); coding-DNA position 1441, C replaced by T.
Protein change: p.Arg481Ter; replaces arginine 481 with a stop codon.
Molecular consequence: nonsense.
Genome position (GRCh38, 1-based): chr1:74,369,233, C>T. VCF-style: chr1-74369233-C-T. GRCh37 (hg19) VCF-style: chr1-74834917-C-T.
Other names: c.1744C>T, p.Arg582Ter (NM_001112808.3, NM_001199327.2); short protein forms R582*, R481*.
Identifiers: ClinVar variation 1369257 (VCV001369257.7), dbSNP rs757261707, ClinGen allele CA909287.

ClinVar aggregate classification (germline): Uncertain significance. Review status: criteria provided, multiple submitters, no conflicts (2 of 4 stars). 2 submissions from 2 submitters: Uncertain significance (2). Last evaluated 2026-01-27.

Allele frequency attached by ClinVar (database versions not stated): gnomAD 0.00001; ExAC 0.00002; gnomAD exomes 0.00002; TOPMed 0.00004.
gnomAD v4.1: 48 of 1,611,646 alleles (0.003%); highest among the groups gnomAD compares: African/African-American, 0.0067%; no homozygotes.

Submissions (2):

Labcorp Genetics (formerly Invitae), Labcorp
Classification: Uncertain significance. Last evaluated: 2026-01-27. Review status: criteria provided, single submitter. Criteria: Invitae Variant Classification Sherloc (09022015). Collection method: clinical testing. Allele origin: germline.
Comment: This sequence change creates a premature translational stop signal (p.Arg481*) in the TNNI3K gene. It is expected to result in an absent or disrupted protein product. However, the current clinical and genetic evidence is not sufficient to establish whether loss-of-function variants in TNNI3K cause disease. This variant is present in population databases (rs757261707, gnomAD 0.01%). This premature translational stop signal has been observed in individual(s) with cardiac conduction disease (PMID: 32529721). ClinVar contains an entry for this variant (Variation ID: 1369257). Algorithms developed to predict the effect of sequence changes on RNA splicing suggest that this variant may disrupt the consensus splice site. In summary, the available evidence is currently insufficient to determine the role of this variant in disease. Therefore, it has been classified as a Variant of Uncertain Significance.

Blueprint Genetics
Classification: Uncertain significance. Last evaluated: 2024-03-14. Review status: criteria provided, single submitter. Criteria: ACMG Guidelines, 2015. Collection method: clinical testing. Allele origin: germline.

Literature cited by the submitters: PubMed 32529721 (cited by Labcorp Genetics (formerly Invitae), Labcorp).